The following is an entry in ClinVar:

NM_001130438.3(SPTAN1):c.1765G>A (p.Val589Ile)

Gene: SPTAN1 (spectrin alpha, non-erythrocytic 1; plus strand). Cytogenetic location: 9q34.11.
Variant type: single nucleotide variant.
Coding change: c.1765G>A on transcript NM_001130438.3 (MANE Select); coding-DNA position 1765, G replaced by A.
Protein change: p.Val589Ile; replaces valine 589 with isoleucine.
Molecular consequence: missense variant.
Genome position (GRCh38, 1-based): chr9:128,582,808, G>A. VCF-style: chr9-128582808-G-A. GRCh37 (hg19) VCF-style: chr9-131345087-G-A.
Other names: c.1765G>A, p.Val589Ile (NM_001195532.2, NM_001363759.2, NM_001363765.2 and 5 more transcripts); c.1801G>A, p.Val601Ile (NM_001375312.2, NM_001375318.1); short protein forms V589I, V601I.
Identifiers: ClinVar variation 1401777 (VCV001401777.9), dbSNP rs746961427, ClinGen allele CA375055176.
Genomic context (GRCh38, chr9:128,582,808, plus strand): 5'-CTAGCCGATTCTTTCCATCTGCAGCAGTTTTTCCGTGATTCTGATGAGCTCAAGAGTTGG[G>A]TCAATGAGAAGATGAAAACTGCCACAGATGAAGCTTATAAAGTAATGTACTGTTAGTGTT-3'
Protein context (NP_001123910.1, residues 579-599): FRDSDELKSW[Val589Ile]NEKMKTATDE

ClinVar aggregate classification (germline): Uncertain significance (1 of 4 stars; one submission).

Conditions:
Early-infantile DEE. Also called: Early infantile epileptic encephalopathy; Ohtahara syndrome; Early infantile epileptic encephalopathy with suppression bursts. Identifiers: Orphanet 1934, MedGen C0393706, MONDO:0800491.

Allele frequency attached by ClinVar (database versions not stated): gnomAD 0.00001.
gnomAD v4.1: 1 of 1,613,674 alleles (0.000062%); highest among the groups gnomAD compares: African/African-American, 0.0013%; no homozygotes.

Submission:

Labcorp Genetics (formerly Invitae), Labcorp
Classification: Uncertain significance for Early-infantile DEE. Last evaluated: 2025-10-24. Review status: criteria provided, single submitter. Criteria: Invitae Variant Classification Sherloc (09022015). Collection method: clinical testing. Allele origin: germline.
Comment: This sequence change replaces valine, which is neutral and non-polar, with isoleucine, which is neutral and non-polar, at codon 589 of the SPTAN1 protein (p.Val589Ile). This variant is not present in population databases (gnomAD no frequency). This variant has not been reported in the literature in individuals affected with SPTAN1-related conditions. ClinVar contains an entry for this variant (Variation ID: 1401777). Invitae Evidence Modeling of protein sequence and biophysical properties (such as structural, functional, and spatial information, amino acid conservation, physicochemical variation, residue mobility, and thermodynamic stability) has been performed for this missense variant. However, the output from this modeling did not meet the statistical confidence thresholds required to predict the impact of this variant on SPTAN1 protein function. In summary, the available evidence is currently insufficient to determine the role of this variant in disease. Therefore, it has been classified as a Variant of Uncertain Significance.